The following is an entry in ClinVar:

NM_000038.6(APC):c.6169A>T (p.Lys2057Ter)

Gene: APC (APC regulator of Wnt signaling pathway; plus strand). Cytogenetic location: 5q22.2.
Variant type: single nucleotide variant.
Coding change: c.6169A>T on transcript NM_000038.6 (MANE Select); coding-DNA position 6169, A replaced by T.
Protein change: p.Lys2057Ter; replaces lysine 2057 with a stop codon.
Molecular consequence: nonsense. On other transcripts: non-coding transcript variant (2).
Genome position (GRCh38, 1-based): chr5:112,841,763, A>T. VCF-style: chr5-112841763-A-T. GRCh37 (hg19) VCF-style: chr5-112177460-A-T.
Other names: c.6169A>T, p.Lys2057Ter (NM_001127510.3, NM_001354895.2, NM_001407450.1); c.6115A>T, p.Lys2039Ter (NM_001127511.3); c.6223A>T, p.Lys2075Ter (NM_001354896.2, NM_001407447.1, NM_001407448.1 and 1 more transcripts); c.6199A>T, p.Lys2067Ter (NM_001354897.2); c.6094A>T, p.Lys2032Ter (NM_001354898.2); c.6085A>T, p.Lys2029Ter (NM_001354899.2); c.6046A>T, p.Lys2016Ter (NM_001354900.2); c.5992A>T, p.Lys1998Ter (NM_001354901.2, NM_001407453.1); and 11 more; short protein forms K1673*, K1774*, K1897*, K1928*, K1931*, K1956*, K1966*, K1974*.
Identifiers: ClinVar variation 2584325 (VCV002584325.2), dbSNP rs1561605597, ClinGen allele CA16034841.

ClinVar aggregate classification (germline): Pathogenic (1 of 4 stars; one submission).

Conditions:
Familial adenomatous polyposis 1 (FAP1). Also called: FAMILIAL ADENOMATOUS POLYPOSIS 1, ATTENUATED; POLYPOSIS, ADENOMATOUS INTESTINAL. Identifiers: MedGen C2713442, MONDO:0021056, OMIM 175100. Disease mechanism: loss of function.

Submission:

Myriad Genetics, Inc.
Classification: Pathogenic for Familial adenomatous polyposis 1. Last evaluated: 2023-05-15. Review status: criteria provided, single submitter. Criteria: Myriad Autosomal Dominant, Autosomal Recessive and X-Linked Classification Criteria (2023). Collection method: clinical testing. Allele origin: unknown.
Comment: This variant is considered pathogenic. This variant creates a termination codon and is predicted to result in premature protein truncation.